The following is an entry in ClinVar:

ClinVar aggregate classification (germline): Pathogenic. Review status: criteria provided, single submitter (1 of 4 stars). 2 submissions from 2 submitters: Pathogenic (1). 1 of the submissions does not count toward it. Last evaluated 2014-07-03.

Conditions:
Immunodeficiency 23 (IMD23). Also called: IMMUNODEFICIENCY WITH HYPER IgE AND COGNITIVE IMPAIRMENT; IMMUNODEFICIENCY-VASCULITIS-MYOCLONUS SYNDROME. Identifiers: Orphanet 443811, MedGen C4014371, MONDO:0014353, OMIM 615816.

Allele frequency attached by ClinVar (database versions not stated): gnomAD exomes below 0.00001.

Submissions (2):

Lupski Lab, Baylor-Hopkins CMG, Baylor College of Medicine
Classification: Pathogenic for Immunodeficiency 23. Last evaluated: 2014-07-03. Review status: criteria provided, single submitter. Criteria: Stray-Pedersen et al. (AJHG 2014). Collection method: research. Allele origin: inherited. Inheritance: Autosomal recessive inheritance. Affected: yes and no. Observed: 3 variant alleles, 2 heterozygotes, 1 compound heterozygote.
Comment: segregates with the phenotype in an affected family

OMIM
Classification: Pathogenic for IMMUNODEFICIENCY 23. Last evaluated: 2014-07-03. Review status: no assertion criteria provided. Collection method: literature only. Allele origin: germline. Not counted in ClinVar's aggregate classification.

Literature cited by the submitters: PubMed 24931394 (cited by OMIM).

NM_015599.3(PGM3):c.1352A>G (p.Gln451Arg)

Gene: PGM3 (phosphoglucomutase 3; minus strand). Cytogenetic location: 6q14.1.
Variant type: single nucleotide variant.
Coding change: c.1352A>G on transcript NM_015599.3 (MANE Select); coding-DNA position 1352, A replaced by G.
Protein change: p.Gln451Arg; replaces glutamine 451 with arginine.
Molecular consequence: missense variant. On other transcripts: non-coding transcript variant (1), intron variant (1).
Genome position (GRCh38, 1-based): chr6:83,171,950, T>C on the plus strand (A>G on the coding strand, the complement: PGM3 is on the minus strand). VCF-style: chr6-83171950-T-C. GRCh37 (hg19) VCF-style: chr6-83881669-T-C.
Other names: c.1436A>G, p.Gln479Arg (NM_001199917.2, NM_001367287.1); c.1109A>G, p.Gln370Arg (NM_001199918.2); c.1352A>G, p.Gln451Arg (NM_001199919.2); c.1243-1472A>G (NM_001367286.1); short protein forms Q451R, Q479R, Q370R.
Identifiers: ClinVar variation 140735 (VCV000140735.2), dbSNP rs587777565, ClinGen allele CA163472.